The following is an entry in ClinVar:

ClinVar aggregate classification (germline): Uncertain significance (1 of 4 stars; one submission).

Conditions:
Inborn genetic diseases. Identifiers: MedGen C0950123, MeSH D030342.

Submission:

Ambry Genetics
Classification: Uncertain significance for Inborn genetic diseases. Last evaluated: 2024-12-20. Review status: criteria provided, single submitter. Criteria: Ambry Variant Classification Scheme 2023. Collection method: clinical testing. Allele origin: germline.
Comment: The p.D2V variant (also known as c.5A>T), located in coding exon 1 of the ERCC6L2 gene, results from an A to T substitution at nucleotide position 5. The aspartic acid at codon 2 is replaced by valine, an amino acid with highly dissimilar properties. This amino acid position is conserved. In addition, the in silico prediction for this alteration is inconclusive. Based on the available evidence, the clinical significance of this variant remains unclear.

NM_020207.7(ERCC6L2):c.5A>T (p.Asp2Val)

Gene: ERCC6L2 (ERCC excision repair 6 like 2; plus strand). Cytogenetic location: 9q22.32.
Variant type: single nucleotide variant.
Coding change: c.5A>T on transcript NM_020207.7 (MANE Select); coding-DNA position 5, A replaced by T.
Protein change: p.Asp2Val; replaces aspartic acid 2 with valine.
Molecular consequence: missense variant. On other transcripts: non-coding transcript variant (1).
Genome position (GRCh38, 1-based): chr9:95,876,043, A>T. VCF-style: chr9-95876043-A-T. GRCh37 (hg19) VCF-style: chr9-98638325-A-T.
Other names: c.5A>T, p.Asp2Val (NM_001010895.4, NM_001375291.1, NM_001375292.1 and 2 more transcripts); short protein forms D2V.
Identifiers: ClinVar variation 3845810 (VCV003845810.1).